The following is an entry in ClinVar:

ClinVar aggregate classification (germline): Uncertain significance (1 of 4 stars; one submission).

Submission:

GeneDx
Classification: Uncertain significance. Last evaluated: 2025-06-10. Review status: criteria provided, single submitter. Criteria: GeneDx Variant Classification Process June 2021. Collection method: clinical testing. Allele origin: germline. Affected: yes.
Comment: Not observed at significant frequency in large population cohorts (gnomAD); In silico analysis supports that this missense variant has a deleterious effect on protein structure/function; Has not been previously published as pathogenic or benign to our knowledge

NM_013436.5(NCKAP1):c.1325T>C (p.Leu442Pro)

Gene: NCKAP1 (NCK associated protein 1; minus strand). Cytogenetic location: 2q32.1.
Variant type: single nucleotide variant.
Coding change: c.1325T>C on transcript NM_013436.5 (MANE Select); coding-DNA position 1325, T replaced by C.
Protein change: p.Leu442Pro; replaces leucine 442 with proline.
Molecular consequence: missense variant.
Genome position (GRCh38, 1-based): chr2:182,981,260, A>G on the plus strand (T>C on the coding strand, the complement: NCKAP1 is on the minus strand). VCF-style: chr2-182981260-A-G. GRCh37 (hg19) VCF-style: chr2-183845988-A-G.
Other names: c.1319T>C, p.Leu440Pro (NM_001437266.1); c.1337T>C, p.Leu446Pro (NM_001437267.1); c.1343T>C, p.Leu448Pro (NM_205842.3); short protein forms L440P, L442P, L446P, L448P.
Identifiers: ClinVar variation 4538038 (VCV004538038.1).
Genomic context (GRCh38, chr2:182,981,260, plus strand): 5'-GGGAAGGAAGGAACAAAAGGGAAATAGTATGAGATAGTTTTTACCTGCACGAGTTCATTG[A>G]GGACAACAGCATCAAAGCCAGAAAGGTACTGCACGTAATACCTCTGCATTACAGGTCCGT-3'
Protein context (NP_038464.1, residues 432-452): QYLSGFDAVV[Leu442Pro]NELVQNLSVC